The following is an entry in ClinVar:

ClinVar aggregate classification (germline): Uncertain significance (1 of 4 stars; one submission).

Conditions:
Hereditary cancer-predisposing syndrome. Also called: Hereditary Cancer Syndrome; Tumor predisposition; Hereditary neoplastic syndrome; Neoplastic Syndromes, Hereditary. Identifiers: Orphanet 140162, MedGen C0027672, MeSH D009386, MONDO:0015356.

Submission:

Labcorp Genetics (formerly Invitae), Labcorp
Classification: Uncertain significance for Hereditary cancer-predisposing syndrome. Last evaluated: 2022-01-04. Review status: criteria provided, single submitter. Criteria: Invitae Variant Classification Sherloc (09022015). Collection method: clinical testing. Allele origin: germline.
Comment: In summary, the available evidence is currently insufficient to determine the role of this variant in disease. Therefore, it has been classified as a Variant of Uncertain Significance. Algorithms developed to predict the effect of missense changes on protein structure and function (SIFT, PolyPhen-2, Align-GVGD) all suggest that this variant is likely to be tolerated. This variant has not been reported in the literature in individuals affected with RAD50-related conditions. This variant is not present in population databases (gnomAD no frequency). This sequence change replaces valine, which is neutral and non-polar, with methionine, which is neutral and non-polar, at codon 1117 of the RAD50 protein (p.Val1117Met).

NM_005732.4(RAD50):c.3349G>A (p.Val1117Met)

Gene: RAD50 (RAD50 double strand break repair protein; plus strand). Cytogenetic location: 5q31.1.
Variant type: single nucleotide variant.
Coding change: c.3349G>A on transcript NM_005732.4 (MANE Select); coding-DNA position 3349, G replaced by A.
Protein change: p.Val1117Met; replaces valine 1117 with methionine.
Molecular consequence: missense variant.
Genome position (GRCh38, 1-based): chr5:132,618,254, G>A. VCF-style: chr5-132618254-G-A. GRCh37 (hg19) VCF-style: chr5-131953946-G-A.
Other names: short protein forms V1117M.
Identifiers: ClinVar variation 2074260 (VCV002074260.4), dbSNP rs759071832, ClinGen allele CA360964956.